The following is an entry in ClinVar:

ClinVar aggregate classification (germline): Pathogenic/Likely pathogenic. Review status: criteria provided, multiple submitters, no conflicts (2 of 4 stars). 12 submissions from 12 submitters: Pathogenic (11); Likely pathogenic (1). Last evaluated 2026-02-13.

Conditions:
PIGT-related disorder.
Multiple congenital anomalies-hypotonia-seizures syndrome 3 (MCAHS3). Also called: GLYCOSYLPHOSPHATIDYLINOSITOL BIOSYNTHESIS DEFECT 7. Identifiers: Orphanet 369837, MedGen C3809356, MONDO:0014165, OMIM 615398.

Allele frequency attached by ClinVar (database versions not stated): gnomAD exomes 0.00005 and 0.00010; gnomAD 0.00006 and 0.00007; TOPMed 0.00008; ExAC 0.00010.
gnomAD v4.1: 91 of 1,614,022 alleles (0.0056%); highest among the groups gnomAD compares: Non-Finnish European, 0.006%; no homozygotes.

Submissions (12):

OLLIN Analises Genomicas, OLLIN
Classification: Pathogenic for Multiple congenital anomalies-hypotonia-seizures syndrome 3. Last evaluated: 2026-02-13. Review status: criteria provided, single submitter. Criteria: ACMG Guidelines 2015 PMID 25741868. Collection method: clinical testing. Allele origin: germline. Observed: 2 variant alleles.
Comment: PS3_P, PM2_P, PM3_VS

Institute of Human Genetics, University of Leipzig Medical Center
Classification: Pathogenic for Multiple congenital anomalies-hypotonia-seizures syndrome 3. Last evaluated: 2026-02-02. Review status: criteria provided, single submitter. Criteria: ACMG Guidelines, 2015. Collection method: clinical testing. Allele origin: unknown. Inheritance: Autosomal recessive inheritance. Affected: yes.
Comment: Criteria applied: PM3_VSTR,PS3_MOD,PM2,PP3

GeneDx
Classification: Pathogenic. Last evaluated: 2025-09-30. Review status: criteria provided, single submitter. Criteria: GeneDx Variant Classification Process June 2021. Collection method: clinical testing. Allele origin: germline. Affected: yes.
Comment: Published functional studies suggest a damaging effect, as rescue experiments on PIGT-knockout HEK293 cells demonstrate p.(V528M) results in a mild reduction in the amount of CD59 anchored to the cell membrane (PMID: 28327575); In silico analysis supports that this missense variant has a deleterious effect on protein structure/function; This variant is associated with the following publications: (PMID: 30976099, 34046058, 34162574, 33144682, 28327575, 29310717, 36672771, 32725661, 34469436, 38456468, 38250573, 37645600)

Labcorp Genetics (formerly Invitae), Labcorp
Classification: Pathogenic for Multiple congenital anomalies-hypotonia-seizures syndrome 3. Last evaluated: 2025-02-24. Review status: criteria provided, single submitter. Criteria: Invitae Variant Classification Sherloc (09022015). Collection method: clinical testing. Allele origin: germline.
Comment: This sequence change replaces valine, which is neutral and non-polar, with methionine, which is neutral and non-polar, at codon 528 of the PIGT protein (p.Val528Met). This variant is present in population databases (rs771157170, gnomAD 0.02%). This missense change has been observed in individuals with PIGT-related conditions (PMID: 28327575, 34046058). ClinVar contains an entry for this variant (Variation ID: 440973). Invitae Evidence Modeling of protein sequence and biophysical properties (such as structural, functional, and spatial information, amino acid conservation, physicochemical variation, residue mobility, and thermodynamic stability) indicates that this missense variant is expected to disrupt PIGT protein function with a positive predictive value of 95%. Experimental studies have shown that this missense change affects PIGT function (PMID: 28327575). For these reasons, this variant has been classified as Pathogenic.

Blueprint Genetics
Classification: Pathogenic for PIGT-related disorders. Last evaluated: 2024-10-17. Review status: criteria provided, single submitter. Criteria: ACMG Guidelines, 2015. Collection method: clinical testing. Allele origin: germline. Affected: yes. Observed: 5 variant alleles.

3billion
Classification: Pathogenic for Multiple congenital anomalies-hypotonia-seizures syndrome 3. Last evaluated: 2024-09-24. Review status: criteria provided, single submitter. Criteria: ACMG Guidelines, 2015. Collection method: clinical testing. Allele origin: germline. Affected: yes.
Comment: The variant is observed at an extremely low frequency in the gnomAD v4.0.0 dataset (total allele frequency: 0.006%). Predicted Consequence/Location: Missense variant Functional studies provide moderate evidence of the variant having a damaging effect on the gene or gene product (PMID: 28327575). In silico tool predictions suggest damaging effect of the variant on gene or gene product [3Cnet: 0.98 (>=0.6, sensitivity 0.72 and precision 0.9)]. The same nucleotide change resulting in the same amino acid change has been previously reported as pathogenic/likely pathogenic with strong evidence (ClinVar ID: VCV000440973 /PMID: 28327575 /3billion dataset). The variant has been reported to be in trans with a pathogenic variant as either compound heterozygous or homozygous in at least 4 similarly affected unrelated individuals (PMID: 34046058). Therefore, this variant is classified as Pathogenic according to the recommendation of ACMG/AMP guideline.

Women's Health and Genetics/Laboratory Corporation of America, LabCorp
Classification: Pathogenic for Multiple congenital anomalies-hypotonia-seizures syndrome 3. Last evaluated: 2024-08-23. Review status: criteria provided, single submitter. Criteria: LabCorp Variant Classification Summary - May 2015. Collection method: clinical testing. Allele origin: germline.
Comment: Variant summary: PIGT c.1582G>A (p.Val528Met) results in a conservative amino acid change in the encoded protein sequence. Four of five in-silico tools predict a damaging effect of the variant on protein function. The variant allele was found at a frequency of 9.9e-05 in 251258 control chromosomes. This frequency is not significantly higher than estimated for a pathogenic variant in PIGT causing Multiple Congenital Anomalies-Hypotonia Syndrome 3, allowing no conclusion about variant significance. c.1582G>A has been reported in the literature in multiple homozygous and compound heterozygous individuals affected with Multiple Congenital Anomalies-Hypotonia Syndrome 3 (Bayat_2019, Bayat_2021, Pagnamenta_2017). These data indicate that the variant is very likely to be associated with disease. To our knowledge, no experimental evidence demonstrating an impact on protein function has been reported. The following publications have been ascertained in the context of this evaluation (PMID: 34046058, 30976099, 28327575). ClinVar contains an entry for this variant (Variation ID: 440973). Based on the evidence outlined above, the variant was classified as pathogenic.

CeGaT Center for Human Genetics Tuebingen
Classification: Pathogenic. Last evaluated: 2024-07-01. Review status: criteria provided, single submitter. Criteria: CeGaT Center For Human Genetics Tuebingen Variant Classification Criteria Version 2. Collection method: clinical testing. Allele origin: germline. Affected: yes. Observed: 10 variant alleles.
Comment: PIGT: PM3:Very Strong, PM2, PP3

Department of Human Genetics, Hannover Medical School
Classification: Pathogenic for Multiple congenital anomalies-hypotonia-seizures syndrome 3. Last evaluated: 2024-02-01. Review status: criteria provided, single submitter. Criteria: ACMG Guidelines, 2015. Collection method: clinical testing. Allele origin: germline. Affected: yes.

MGZ Medical Genetics Center
Classification: Pathogenic for Multiple congenital anomalies-hypotonia-seizures syndrome 3. Last evaluated: 2022-08-26. Review status: criteria provided, single submitter. Criteria: ACMG Guidelines, 2015. Collection method: clinical testing. Allele origin: germline. Affected: yes. Observed: 1 variant allele.
Comment: ACMG criteria applied: PS3, PS4_MOD, PM3, PM2_SUP, PP3

Mendelics
Classification: Likely pathogenic for Multiple congenital anomalies-hypotonia-seizures syndrome 3. Last evaluated: 2019-05-28. Review status: criteria provided, single submitter. Criteria: Mendelics Assertion Criteria 2017. Collection method: clinical testing. Allele origin: unknown.

Imagene.me medical diagnostic laboratory, IMAGENE.ME SA
Classification: Pathogenic for Multiple congenital anomalies-hypotonia-seizures syndrome 3. Review status: criteria provided, single submitter. Criteria: IMAGENE.ME Variant Classification SOP 2022. Collection method: clinical testing. Allele origin: germline. Affected: yes.
Comment: Classified according to the IMAGENE.ME variant classification SOP based on the ACMG guidelines as Pathogenic (P): PS4 + PS3 + PM1 + PM2_Supporting + PP3 + PP4 + PP5

Literature cited by the submitters: PubMed 28327575 (cited by 3 submitters); PubMed 34046058 (cited by 3 submitters); PubMed 30976099 (cited by Women's Health and Genetics/Laboratory Corporation of America, LabCorp).

NM_015937.6(PIGT):c.1582G>A (p.Val528Met)

Gene: PIGT (phosphatidylinositol glycan anchor biosynthesis class T; plus strand). Cytogenetic location: 20q13.12.
Variant type: single nucleotide variant.
Coding change: c.1582G>A on transcript NM_015937.6 (MANE Select); coding-DNA position 1582, G replaced by A.
Protein change: p.Val528Met; replaces valine 528 with methionine.
Molecular consequence: missense variant. On other transcripts: non-coding transcript variant (5).
Genome position (GRCh38, 1-based): chr20:45,425,671, G>A. VCF-style: chr20-45425671-G-A. GRCh37 (hg19) VCF-style: chr20-44054311-G-A.
Other names: c.1414G>A, p.Val472Met (NM_001184728.3); c.1381G>A, p.Val461Met (NM_001184729.3); c.1276G>A, p.Val426Met (NM_001184730.3); short protein forms V528M, V426M, V461M, V472M.
Identifiers: ClinVar variation 440973 (VCV000440973.67), dbSNP rs771157170, ClinGen allele CA9878327.
Genomic context (GRCh38, chr20:45,425,671, plus strand): 5'-CTCTACACGGAGCCGCTGCTGGTGAACCTGCCGACACCGGACTTCAGCATGCCCTACAAC[G>A]TGATCTGCCTCACGTGCACTGTGGTGGCCGTGTGCTATGGCTCCTTCTACAATCTCCTCA-3'
Protein context (NP_057021.2, residues 518-538): PTPDFSMPYN[Val528Met]ICLTCTVVAV